The following is an entry in ClinVar:

ClinVar aggregate classification (germline): Likely benign. Review status: criteria provided, multiple submitters, no conflicts (2 of 4 stars). 2 submissions from 2 submitters: Likely benign (2). Last evaluated 2026-05-11.

Conditions:
Neurofibromatosis, type 1 (NF1). Also called: VON RECKLINGHAUSEN DISEASE; Neurofibromatosis, type I; NEUROFIBROMATOSIS, TYPE I, SOMATIC; Peripheral type neurofibromatosis. Identifiers: Orphanet 636, MedGen C0027831, MONDO:0018975, OMIM 162200. Disease mechanism: loss of function.

Allele frequency attached by ClinVar (database versions not stated): gnomAD exomes below 0.00001 and 0.00001; TOPMed 0.00002; gnomAD 0.00003.
gnomAD v4.1: 14 of 1,613,174 alleles (0.00087%); highest among the groups gnomAD compares: Non-Finnish European, 0.0012%; no homozygotes.

Submissions (2):

Myriad Genetics, Inc.
Classification: Likely benign for Neurofibromatosis, type 1. Last evaluated: 2026-05-11. Review status: criteria provided, single submitter. Criteria: Myriad Autosomal Dominant, Autosomal Recessive and X-Linked Classification Criteria (2023). Collection method: clinical testing. Allele origin: unknown.
Comment: This variant is considered likely benign. This variant is intronic and is not expected to impact mRNA splicing.

Labcorp Genetics (formerly Invitae), Labcorp
Classification: Likely benign for Neurofibromatosis, type 1. Last evaluated: 2026-02-01. Review status: criteria provided, single submitter. Criteria: Invitae Variant Classification Sherloc (09022015). Collection method: clinical testing. Allele origin: germline.

NM_001042492.3(NF1):c.1261-16C>T

Gene: NF1 (neurofibromin 1; plus strand). Cytogenetic location: 17q11.2.
Variant type: single nucleotide variant.
Coding change: c.1261-16C>T on transcript NM_001042492.3 (MANE Select); 16 bases into the intron before coding-DNA position 1261, C replaced by T.
Molecular consequence: intron variant.
Genome position (GRCh38, 1-based): chr17:31,206,224, C>T. VCF-style: chr17-31206224-C-T. GRCh37 (hg19) VCF-style: chr17-29533242-C-T.
Other names: c.1261-16C>T (NM_000267.4, NM_001128147.3).
Identifiers: ClinVar variation 1578493 (VCV001578493.9), dbSNP rs911130524, ClinGen allele CA289352233.